The following is an entry in ClinVar:

NM_015272.5(RPGRIP1L):c.882G>T (p.Glu294Asp)

Gene: RPGRIP1L (RPGRIP1 like; minus strand). Cytogenetic location: 16q12.2.
Variant type: single nucleotide variant.
Coding change: c.882G>T on transcript NM_015272.5 (MANE Select); coding-DNA position 882, G replaced by T.
Protein change: p.Glu294Asp; replaces glutamic acid 294 with aspartic acid.
Molecular consequence: missense variant.
Genome position (GRCh38, 1-based): chr16:53,675,017, C>A on the plus strand (G>T on the coding strand, the complement: RPGRIP1L is on the minus strand). VCF-style: chr16-53675017-C-A. GRCh37 (hg19) VCF-style: chr16-53708929-C-A.
Other names: c.882G>T, p.Glu294Asp (NM_001127897.4, NM_001308334.3, NM_001330538.2); short protein forms E294D.
Identifiers: ClinVar variation 1969636 (VCV001969636.3), dbSNP rs2544513749, ClinGen allele CA395923076.

ClinVar aggregate classification (germline): Conflicting classifications of pathogenicity. Review status: criteria provided, conflicting classifications (1 of 4 stars). 2 submissions from 2 submitters: Likely pathogenic (1); Uncertain significance (1). Last evaluated 2024-06-24.

Conditions:
Meckel syndrome, type 5 (MKS5). Identifiers: Orphanet 564, MedGen C1969052, MONDO:0012695, OMIM 611561.
Joubert syndrome 7 (JBTS7). Identifiers: Orphanet 220497, MedGen C1969053, MONDO:0012694, OMIM 611560.
COACH syndrome 3. Identifiers: MedGen C5436841, MONDO:0030862, OMIM 619113.
Joubert syndrome. Also called: CEREBELLOPARENCHYMAL DISORDER IV; JOUBERT-BOLTSHAUSER SYNDROME; Familial aplasia of the vermis. Identifiers: Orphanet 475, MedGen C5979921, MONDO:0018772.
Meckel-Gruber syndrome. Also called: DYSENCEPHALIA SPLANCHNOCYSTICA; GRUBER SYNDROME; Dysencephalia splachnocystica. Identifiers: Orphanet 564, MedGen C0265215, MONDO:0018921.

gnomAD v4.1: 1 of 1,569,958 alleles (0.000064%); highest among the groups gnomAD compares: East Asian, 0.0022%; no homozygotes.

Submissions (2):

Fulgent Genetics
Classification: Likely pathogenic for Joubert syndrome 7; Meckel syndrome, type 5; COACH syndrome 3. Last evaluated: 2024-06-24. Review status: criteria provided, single submitter. Criteria: ACMG Guidelines, 2015. Collection method: clinical testing. Allele origin: germline.

Labcorp Genetics (formerly Invitae), Labcorp
Classification: Uncertain significance for Joubert syndrome; Meckel-Gruber syndrome. Last evaluated: 2021-09-15. Review status: criteria provided, single submitter. Criteria: Invitae Variant Classification Sherloc (09022015). Collection method: clinical testing. Allele origin: germline.
Comment: This sequence change replaces glutamic acid with aspartic acid at codon 294 of the RPGRIP1L protein (p.Glu294Asp). The glutamic acid residue is highly conserved and there is a small physicochemical difference between glutamic acid and aspartic acid. This variant also falls at the last nucleotide of exon 7, which is part of the consensus splice site for this exon. This variant is not present in population databases (ExAC no frequency). This variant has not been reported in the literature in individuals affected with RPGRIP1L-related conditions. Algorithms developed to predict the effect of missense changes on protein structure and function are either unavailable or do not agree on the potential impact of this missense change (SIFT: "Deleterious"; PolyPhen-2: "Possibly Damaging"; Align-GVGD: "Class C15"). Variants that disrupt the consensus splice site are a relatively common cause of aberrant splicing (PMID: 17576681, 9536098). Algorithms developed to predict the effect of sequence changes on RNA splicing suggest that this variant may disrupt the consensus splice site. In summary, the available evidence is currently insufficient to determine the role of this variant in disease. Therefore, it has been classified as a Variant of Uncertain Significance.

Literature cited by the submitters: PubMed 17576681 (cited by Labcorp Genetics (formerly Invitae), Labcorp); PubMed 9536098 (cited by Labcorp Genetics (formerly Invitae), Labcorp).